The following is an entry in ClinVar:

NM_213720.3(CHCHD10):c.190G>A (p.Val64Ile)

Gene: CHCHD10 (coiled-coil-helix-coiled-coil-helix domain containing 10; minus strand). Cytogenetic location: 22q11.23.
Variant type: single nucleotide variant.
Coding change: c.190G>A on transcript NM_213720.3 (MANE Select); coding-DNA position 190, G replaced by A.
Protein change: p.Val64Ile; replaces valine 64 with isoleucine.
Molecular consequence: missense variant. On other transcripts: non-coding transcript variant (1).
Genome position (GRCh38, 1-based): chr22:23,767,445, C>T on the plus strand (G>A on the coding strand, the complement: CHCHD10 is on the minus strand). VCF-style: chr22-23767445-C-T. GRCh37 (hg19) VCF-style: chr22-24109632-C-T.
Other names: c.190G>A, p.Val64Ile (NM_001301339.2); short protein forms V64I.
Identifiers: ClinVar variation 573913 (VCV000573913.8), dbSNP rs781304084, ClinGen allele CA410916238.

ClinVar aggregate classification (germline): Uncertain significance (1 of 4 stars; one submission).

Conditions:
Autosomal dominant mitochondrial myopathy with exercise intolerance (IMMD). Also called: Myopathy, isolated mitochondrial, autosomal dominant. Identifiers: Orphanet 457050, MedGen C4015513, MONDO:0014532, OMIM 616209.
Lower motor neuron syndrome with late-adult onset (SMAJ). Also called: Spinal muscular atrophy, Jokela type; Late-Onset Spinal Motor Neuronopathy (SMAJ). Identifiers: Orphanet 276435, MedGen C3554398, MONDO:0014025, OMIM 615048.
Frontotemporal dementia and/or amyotrophic lateral sclerosis 2. Also called: FTDALS2. Identifiers: Orphanet 275872, MedGen C4014648, MONDO:0014395, OMIM 615911.

Submission:

Labcorp Genetics (formerly Invitae), Labcorp
Classification: Uncertain significance for Lower motor neuron syndrome with late-adult onset; Frontotemporal dementia and/or amyotrophic lateral sclerosis 2; Autosomal dominant mitochondrial myopathy with exercise intolerance. Last evaluated: 2025-09-01. Review status: criteria provided, single submitter. Criteria: Invitae Variant Classification Sherloc (09022015). Collection method: clinical testing. Allele origin: germline.
Comment: This sequence change replaces valine, which is neutral and non-polar, with isoleucine, which is neutral and non-polar, at codon 64 of the CHCHD10 protein (p.Val64Ile). This variant is not present in population databases (gnomAD no frequency). This variant has not been reported in the literature in individuals affected with CHCHD10-related conditions. ClinVar contains an entry for this variant (Variation ID: 573913). An algorithm developed to predict the effect of missense changes on protein structure and function (PolyPhen-2) suggests that this variant is likely to be disruptive. In summary, the available evidence is currently insufficient to determine the role of this variant in disease. Therefore, it has been classified as a Variant of Uncertain Significance.